The following is an entry in ClinVar:

NM_024079.5(ALG8):c.1369A>G (p.Asn457Asp)

Gene: ALG8 (ALG8 alpha-1,3-glucosyltransferase; minus strand). Cytogenetic location: 11q14.1.
Variant type: single nucleotide variant.
Coding change: c.1369A>G on transcript NM_024079.5 (MANE Select); coding-DNA position 1369, A replaced by G.
Protein change: p.Asn457Asp; replaces asparagine 457 with aspartic acid.
Molecular consequence: missense variant. On other transcripts: 3 prime UTR variant (1).
Genome position (GRCh38, 1-based): chr11:78,101,176, T>C on the plus strand (A>G on the coding strand, the complement: ALG8 is on the minus strand). VCF-style: chr11-78101176-T-C. GRCh37 (hg19) VCF-style: chr11-77812222-T-C.
Other names: c.*40A>G (NM_001007027.3); short protein forms N457D.
Identifiers: ClinVar variation 1490405 (VCV001490405.8), dbSNP rs2136868764, ClinGen allele CA382109945.

ClinVar aggregate classification (germline): Uncertain significance (1 of 4 stars; one submission).

Conditions:
ALG8 congenital disorder of glycosylation. Also called: CDG Ih; CONGENITAL DISORDER OF GLYCOSYLATION, TYPE Ih; ALG8-CDG. Identifiers: Orphanet 79325, MedGen C2931002, MONDO:0011969, OMIM 608104.

Submission:

Labcorp Genetics (formerly Invitae), Labcorp
Classification: Uncertain significance for ALG8 congenital disorder of glycosylation. Last evaluated: 2021-03-24. Review status: criteria provided, single submitter. Criteria: Invitae Variant Classification Sherloc (09022015). Collection method: clinical testing. Allele origin: germline.
Comment: Algorithms developed to predict the effect of missense changes on protein structure and function (SIFT, PolyPhen-2, Align-GVGD) all suggest that this variant is likely to be tolerated, but these predictions have not been confirmed by published functional studies and their clinical significance is uncertain. In summary, the available evidence is currently insufficient to determine the role of this variant in disease. Therefore, it has been classified as a Variant of Uncertain Significance. This sequence change replaces asparagine with aspartic acid at codon 457 of the ALG8 protein (p.Asn457Asp). The asparagine residue is moderately conserved and there is a small physicochemical difference between asparagine and aspartic acid. This variant is not present in population databases (ExAC no frequency). This variant has not been reported in the literature in individuals with ALG8-related conditions.